The following is an entry in ClinVar:

ClinVar aggregate classification (germline): Uncertain significance. Review status: criteria provided, multiple submitters, no conflicts (2 of 4 stars). 2 submissions from 2 submitters: Uncertain significance (2). Last evaluated 2023-05-15.

Allele frequency attached by ClinVar (database versions not stated): gnomAD exomes below 0.00001; gnomAD 0.00001; TOPMed 0.00001.
gnomAD v4.1: 4 of 1,613,942 alleles (0.00025%); highest among the groups gnomAD compares: Non-Finnish European, 0.00034%; no homozygotes.

Submissions (2):

Revvity Omics, Revvity
Classification: Uncertain significance. Last evaluated: 2023-05-15. Review status: criteria provided, single submitter. Criteria: ACMG Guidelines, 2015. Collection method: clinical testing. Allele origin: germline.

GeneDx
Classification: Uncertain significance. Last evaluated: 2017-06-30. Review status: criteria provided, single submitter. Criteria: GeneDx Variant Classification (06012015). Collection method: clinical testing. Allele origin: germline. Affected: yes.
Comment: The Y521C variant in the SAMHD1 gene has not been reported previously as a pathogenic variant, nor as a benign variant, to our knowledge. The Y521C variant is not observed in large population cohorts (Lek et al., 2016; 1000 Genomes Consortium et al., 2015; Exome Variant Server). The Y521C variant is a non-conservative amino acid substitution, which is likely to impact secondary protein structure as these residues differ in polarity, charge, size and/or other properties. This substitution occurs at a position that is conserved across species. In silico analysis predicts this variant is probably damaging to the protein structure/function. We interpret Y521C as a variant of uncertain significance.

NM_015474.4(SAMHD1):c.1562A>G (p.Tyr521Cys)

Gene: SAMHD1 (SAM and HD domain containing deoxynucleoside triphosphate triphosphohydrolase 1; minus strand). Cytogenetic location: 20q11.23.
Variant type: single nucleotide variant.
Coding change: c.1562A>G on transcript NM_015474.4 (MANE Select); coding-DNA position 1562, A replaced by G.
Protein change: p.Tyr521Cys; replaces tyrosine 521 with cysteine.
Molecular consequence: missense variant. On other transcripts: intron variant (1).
Genome position (GRCh38, 1-based): chr20:36,898,486, T>C on the plus strand (A>G on the coding strand, the complement: SAMHD1 is on the minus strand). VCF-style: chr20-36898486-T-C. GRCh37 (hg19) VCF-style: chr20-35526889-T-C.
Other names: c.1562A>G, p.Tyr521Cys (NM_001363733.2); c.1504-527A>G (NM_001363729.2); short protein forms Y521C.
Identifiers: ClinVar variation 450077 (VCV000450077.4), dbSNP rs1335492611, ClinGen allele CA408840215.
Genomic context (GRCh38, chr20:36,898,486, plus strand): 5'-GCCTAAGTAGTTACCTGGTTTTTAGTAATCCTGATTGCTCTGTTGGGGGCAGTCTTACAA[T>C]AGAAGCTAACATGATCAATTGGATTCTTTTCTTGCATTCCATAATCCATGTTGATAACCT-3'
Protein context (NP_056289.2, residues 511-531): EKNPIDHVSF[Tyr521Cys]CKTAPNRAIR